The following is an entry in ClinVar:

ClinVar aggregate classification (germline): Uncertain significance. Review status: criteria provided, multiple submitters, no conflicts (2 of 4 stars). 2 submissions from 2 submitters: Uncertain significance (2). Last evaluated 2026-01-13.

Conditions:
Epilepsy, familial focal, with variable foci 1 (FFEVF1). Also called: DEPDC5-Related Epilepsy. Identifiers: MedGen C4551983, MONDO:0024556, OMIM 604364.
Familial focal epilepsy with variable foci (FPEVF). Identifiers: Orphanet 98820, MedGen C1858477, MONDO:0020310.

Allele frequency attached by ClinVar (database versions not stated): ExAC 0.00002; gnomAD exomes 0.00002; 1000 Genomes Project 30x 0.00016; 1000 Genomes Project 0.00020.
gnomAD v4.1: 9 of 1,614,192 alleles (0.00056%); highest among the groups gnomAD compares: East Asian, 0.0022%; no homozygotes.

Submissions (2):

Labcorp Genetics (formerly Invitae), Labcorp
Classification: Uncertain significance for Familial focal epilepsy with variable foci. Last evaluated: 2026-01-13. Review status: criteria provided, single submitter. Criteria: Invitae Variant Classification Sherloc (09022015). Collection method: clinical testing. Allele origin: germline.
Comment: This sequence change replaces valine, which is neutral and non-polar, with isoleucine, which is neutral and non-polar, at codon 577 of the DEPDC5 protein (p.Val577Ile). This variant is present in population databases (rs573430885, gnomAD 0.004%). This missense change has been observed in individual(s) with clinical features of DEPDC5-related conditions (PMID: 34239491). ClinVar contains an entry for this variant (Variation ID: 571032). An algorithm developed to predict the effect of missense changes on protein structure and function outputs the following: PolyPhen-2: "Not Available". The isoleucine amino acid residue is found in multiple mammalian species, which suggests that this missense change does not adversely affect protein function. In summary, the available evidence is currently insufficient to determine the role of this variant in disease. Therefore, it has been classified as a Variant of Uncertain Significance.

Genomic Medicine Center of Excellence, King Faisal Specialist Hospital and Research Centre
Classification: Uncertain significance for Epilepsy, familial focal, with variable foci 1. Last evaluated: 2024-03-25. Review status: criteria provided, single submitter. Criteria: ACMG Guidelines, 2015. Collection method: clinical testing. Allele origin: germline.

Literature cited by the submitters: PubMed 34239491 (cited by Labcorp Genetics (formerly Invitae), Labcorp).

NM_001242896.3(DEPDC5):c.1729G>A (p.Val577Ile)

Gene: DEPDC5 (DEP domain containing 5, GATOR1 subcomplex subunit; plus strand). Cytogenetic location: 22q12.3.
Variant type: single nucleotide variant.
Coding change: c.1729G>A on transcript NM_001242896.3 (MANE Select); coding-DNA position 1729, G replaced by A.
Protein change: p.Val577Ile; replaces valine 577 with isoleucine.
Molecular consequence: missense variant. On other transcripts: non-coding transcript variant (5).
Genome position (GRCh38, 1-based): chr22:31,819,084, G>A. VCF-style: chr22-31819084-G-A. GRCh37 (hg19) VCF-style: chr22-32215070-G-A.
Other names: c.1729G>A, p.Val577Ile (NM_001136029.4, NM_001242897.2, NM_001363852.2 and 6 more transcripts); c.1645G>A, p.Val549Ile (NM_001369901.1, NM_001369902.1); short protein forms V577I, V549I.
Identifiers: ClinVar variation 571032 (VCV000571032.8), dbSNP rs573430885, ClinGen allele CA10196453.